The following is an entry in ClinVar:

NM_000238.4(KCNH2):c.1123A>G (p.Thr375Ala)

Gene: KCNH2 (potassium voltage-gated channel subfamily H member 2; minus strand). Cytogenetic location: 7q36.1.
Variant type: single nucleotide variant.
Coding change: c.1123A>G on transcript NM_000238.4 (MANE Select); coding-DNA position 1123, A replaced by G.
Protein change: p.Thr375Ala; replaces threonine 375 with alanine.
Molecular consequence: missense variant.
Genome position (GRCh38, 1-based): chr7:150,957,296, T>C on the plus strand (A>G on the coding strand, the complement: KCNH2 is on the minus strand). VCF-style: chr7-150957296-T-C. GRCh37 (hg19) VCF-style: chr7-150654384-T-C.
Other names: c.835A>G, p.Thr279Ala (NM_001406753.1, NM_001406756.1); c.946A>G, p.Thr316Ala (NM_001406755.1); c.823A>G, p.Thr275Ala (NM_001406757.1); c.1123A>G, p.Thr375Ala (NM_172056.3); short protein forms T375A, T275A, T279A, T316A.
Identifiers: ClinVar variation 1677345 (VCV001677345.6), dbSNP rs2116997162, ClinGen allele CA369861417.

ClinVar aggregate classification (germline): Uncertain significance. Review status: criteria provided, multiple submitters, no conflicts (2 of 4 stars). 3 submissions from 3 submitters: Uncertain significance (3). Last evaluated 2025-02-03.

Conditions:
Cardiovascular phenotype. Identifiers: MedGen CN230736.

Submissions (3):

Women's Health and Genetics/Laboratory Corporation of America, LabCorp
Classification: Uncertain significance. Last evaluated: 2025-02-03. Review status: criteria provided, single submitter. Criteria: LabCorp Variant Classification Summary - May 2015. Collection method: clinical testing. Allele origin: germline.

AiLife Diagnostics
Classification: Uncertain significance. Last evaluated: 2021-07-12. Review status: criteria provided, single submitter. Criteria: ACMG Guidelines, 2015. Collection method: clinical testing. Allele origin: germline. Affected: yes. Observed: 1 variant allele.

Ambry Genetics
Classification: Uncertain significance for Cardiovascular phenotype. Last evaluated: 2021-01-29. Review status: criteria provided, single submitter. Criteria: Ambry Variant Classification Scheme 2023. Collection method: clinical testing. Allele origin: germline.
Comment: The p.T375A variant (also known as c.1123A>G), located in coding exon 5 of the KCNH2 gene, results from an A to G substitution at nucleotide position 1123. The threonine at codon 375 is replaced by alanine, an amino acid with similar properties. This amino acid position is highly conserved in available vertebrate species. In addition, this alteration is predicted to be deleterious by in silico analysis. Since supporting evidence is limited at this time, the clinical significance of this alteration remains unclear.